The following is an entry in ClinVar:

ClinVar aggregate classification (germline): Uncertain significance (1 of 4 stars; one submission).

Conditions:
Muscle AMP deaminase deficiency (MMDD). Also called: AMPD1 DEFICIENCY; ADENOSINE MONOPHOSPHATE DEAMINASE-1 DEFICIENCY, MYOPATHY DUE TO; Myoadenylate deaminase deficiency, myopathy due to; Adenosine monophosphate deaminase 1 deficiency; AMP deaminase 1 deficiency; Adenosine Monophosphate Deaminase 1. Identifiers: Orphanet 45, MedGen C3714933, MONDO:0014220, OMIM 615511.

Submission:

Labcorp Genetics (formerly Invitae), Labcorp
Classification: Uncertain significance for Muscle AMP deaminase deficiency. Last evaluated: 2021-12-25. Review status: criteria provided, single submitter. Criteria: Invitae Variant Classification Sherloc (09022015). Collection method: clinical testing. Allele origin: germline.
Comment: Algorithms developed to predict the effect of missense changes on protein structure and function (SIFT, PolyPhen-2, Align-GVGD) all suggest that this variant is likely to be tolerated. This variant has not been reported in the literature in individuals affected with AMPD1-related conditions. In summary, the available evidence is currently insufficient to determine the role of this variant in disease. Therefore, it has been classified as a Variant of Uncertain Significance. This variant is not present in population databases (gnomAD no frequency). This sequence change replaces leucine, which is neutral and non-polar, with valine, which is neutral and non-polar, at codon 739 of the AMPD1 protein (p.Leu739Val).

NM_000036.3(AMPD1):c.2116C>G (p.Leu706Val)

Gene: AMPD1 (adenosine monophosphate deaminase 1; minus strand). Cytogenetic location: 1p13.2.
Variant type: single nucleotide variant.
Coding change: c.2116C>G on transcript NM_000036.3 (MANE Select); coding-DNA position 2116, C replaced by G.
Protein change: p.Leu706Val; replaces leucine 706 with valine.
Molecular consequence: missense variant.
Genome position (GRCh38, 1-based): chr1:114,673,242, G>C on the plus strand (C>G on the coding strand, the complement: AMPD1 is on the minus strand). VCF-style: chr1-114673242-G-C. GRCh37 (hg19) VCF-style: chr1-115215863-G-C.
Other names: c.2104C>G, p.Leu702Val (NM_001172626.2); short protein forms L702V, L706V.
Identifiers: ClinVar variation 2060466 (VCV002060466.4), dbSNP rs2526334332, ClinGen allele CA341742716.